The following is an entry in ClinVar:

ClinVar aggregate classification (germline): Conflicting classifications of pathogenicity. Review status: criteria provided, conflicting classifications (1 of 4 stars). 5 submissions from 4 submitters: Uncertain significance (2); Benign (1). 2 of the submissions do not count toward it. Last evaluated 2025-12-08.

Conditions:
VSX2-related disorder. Also called: VSX2-related condition.
Microphthalmia. Also called: Microphthalmos. Identifiers: MedGen C0026010, MONDO:0021129, HP:0000568.
Isolated microphthalmia 2. Identifiers: Orphanet 2542, MedGen C1864720, MONDO:0012409, OMIM 610093.
Microphthalmia, isolated, with coloboma 3 (MCOPCB3). Also called: MICROPHTHALMIA, COLOBOMATOUS, 3; MICROPHTHALMIA/COLOBOMA 3. Identifiers: Orphanet 98938, MedGen C1864721, MONDO:0012408, OMIM 610092.

Allele frequency attached by ClinVar (database versions not stated): gnomAD 0.00010 and 0.00017; TOPMed 0.00014; gnomAD exomes 0.00038; ExAC 0.00041; 1000 Genomes Project 0.00160; 1000 Genomes Project 30x 0.00172.

Submissions (5):

Labcorp Genetics (formerly Invitae), Labcorp
Classification: Benign for Isolated microphthalmia 2. Last evaluated: 2025-12-08. Review status: criteria provided, single submitter. Criteria: Invitae Variant Classification Sherloc (09022015). Collection method: clinical testing. Allele origin: germline.

Illumina Laboratory Services, Illumina
Classification: Uncertain significance for Microphthalmia, isolated, with coloboma 3. Last evaluated: 2018-01-13. Review status: criteria provided, single submitter. Criteria: ICSL Variant Classification Criteria 13 December 2019. Collection method: clinical testing. Allele origin: germline.

Illumina Laboratory Services, Illumina
Classification: Uncertain significance for Isolated microphthalmia 2. Last evaluated: 2018-01-13. Review status: criteria provided, single submitter. Criteria: ICSL Variant Classification Criteria 13 December 2019. Collection method: clinical testing. Allele origin: germline.

PreventionGenetics, part of Exact Sciences
Classification: Likely benign for VSX2-related condition. Last evaluated: 2021-01-04. Review status: no assertion criteria provided. Collection method: clinical testing. Allele origin: germline. Not counted in ClinVar's aggregate classification.
Comment: This variant is classified as likely benign based on ACMG/AMP sequence variant interpretation guidelines (Richards et al. 2015 PMID: 25741868, with internal and published modifications).

Natera, Inc.
Classification: Likely benign for Microphthalmia. Last evaluated: 2020-04-23. Review status: no assertion criteria provided. Collection method: clinical testing. Allele origin: germline. Not counted in ClinVar's aggregate classification.

NM_182894.3(VSX2):c.564G>A (p.Pro188=)

Gene: VSX2 (visual system homeobox 2; plus strand). Cytogenetic location: 14q24.3.
Variant type: single nucleotide variant.
Coding change: c.564G>A on transcript NM_182894.3 (MANE Select); coding-DNA position 564, G replaced by A.
Protein change: p.Pro188=; no amino-acid change (proline 188 retained).
Molecular consequence: synonymous variant.
Genome position (GRCh38, 1-based): chr14:74,245,273, G>A. VCF-style: chr14-74245273-G-A. GRCh37 (hg19) VCF-style: chr14-74711976-G-A.
Identifiers: ClinVar variation 738345 (VCV000738345.18), dbSNP rs201354547, ClinGen allele CA7266362.
Genomic context (GRCh38, chr14:74,245,273, plus strand): 5'-CGAAGCCCACTACCCAGACGTCTATGCCCGGGAGATGCTGGCCATGAAAACGGAGCTGCC[G>A]GAAGACAGGATACAGGTAACAGCCCTGAGCCCCTCTCCCCTCCACTCTCCCCTCTCTCGG-3'
Protein context (NP_878314.1, residues 178-198): REMLAMKTEL[Pro188=]EDRIQVWFQN